The following is an entry in ClinVar:

ClinVar aggregate classification (germline): Uncertain significance. Review status: criteria provided, multiple submitters, no conflicts (2 of 4 stars). 2 submissions from 2 submitters: Uncertain significance (2). Last evaluated 2026-05-05.

Conditions:
Polycystic kidney disease, adult type (PKD1). Also called: Polycystic Kidney, Autosomal Dominant; POLYCYSTIC KIDNEY DISEASE, ADULT, TYPE I; Polycystic Kidney Disease 1, Autosomal Dominant; Polycystic kidney disease 1; Polycystic kidney disease 1, severe; POLYCYSTIC KIDNEY DISEASE 1 WITH OR WITHOUT POLYCYSTIC LIVER DISEASE. Identifiers: MedGen C3149841, MONDO:0008263, OMIM 173900.

gnomAD v4.1: 1 of 1,610,280 alleles (0.000062%); highest among the groups gnomAD compares: Non-Finnish European, 0.000085%; no homozygotes.

Submissions (2):

Women's Health and Genetics/Laboratory Corporation of America, LabCorp
Classification: Uncertain significance. Last evaluated: 2026-05-05. Review status: criteria provided, single submitter. Criteria: LabCorp Variant Classification Summary - May 2015. Collection method: clinical testing. Allele origin: germline.
Comment: Variant summary: PKD1 c.11498G>C (p.Arg3833Pro) results in a non-conservative amino acid change in the encoded protein sequence. Algorithms developed to predict the effect of missense changes on protein structure and function are either unavailable or do not agree on the potential impact of this missense change. The variant was absent in 234996 control chromosomes. The available data on variant occurrences in the general population are insufficient to allow any conclusion about variant significance. c.11498G>C has been observed in an infant affected with Polycystic Kidney Disease who had a positive paternal family history, although segregation data was not provided (Kim_2025). These data do not allow any conclusion about variant significance. To our knowledge, no experimental evidence demonstrating an impact on protein function has been reported. The following publication has been ascertained in the context of this evaluation (PMID: 41470147). ClinVar contains an entry for this variant (Variation ID: 4531538). Based on the evidence outlined above, the variant was classified as uncertain significance.

Victorian Clinical Genetics Services, Murdoch Childrens Research Institute
Classification: Uncertain significance for Polycystic kidney disease, adult type. Last evaluated: 2024-12-04. Review status: criteria provided, single submitter. Criteria: ACMG Guidelines, 2015. Collection method: clinical testing. Allele origin: germline. Affected: yes.
Comment: This variant is classified as VUS-3B. Evidence in support of pathogenic classification: Variant is present in gnomAD <0.001 for a dominant condition (v4: 1 heterozygote(s), 0 homozygote(s)). Additional information: Variant is predicted to result in a missense amino acid change from arginine to proline; This variant is heterozygous; This gene is associated with autosomal dominant disease. Polycystic kidney disease 1 (MIM#173900) is predominantly caused by monoallelic variants, with rare reports of biallelic variants causing disease (OMIM); Multiple alternative amino acid changes at the same position have been observed in gnomAD (v4; highest allele count: 75 heterozygote(s), 1 homozygote(s)); This variant has no previous evidence of pathogenicity; No published segregation evidence has been identified for this variant; No published functional evidence has been identified for this variant; No comparable missense variants have previous evidence for pathogenicity; Variant is located in the annotated polycystin domain (DECIPHER); Missense variant with an inconclusive in silico prediction and uninformative conservation; Loss of function is a known mechanism of disease in this gene and is associated with polycystic kidney disease 1 (MIM#173900); Inheritance information for this variant is not currently available in this individual.

Literature cited by the submitters: PubMed 41470147 (cited by Women's Health and Genetics/Laboratory Corporation of America, LabCorp).

NM_001009944.3(PKD1):c.11498G>C (p.Arg3833Pro)

Genes: PKD1 (polycystin 1, transient receptor potential channel interacting; minus strand), PKD1-AS1 (PKD1 antisense RNA 1; plus strand). Cytogenetic location: 16p13.3.
Variant type: single nucleotide variant.
Coding change: c.11498G>C on transcript NM_001009944.3 (MANE Select); coding-DNA position 11498, G replaced by C.
Protein change: p.Arg3833Pro; replaces arginine 3833 with proline.
Molecular consequence: missense variant.
Genome position (GRCh38, 1-based): chr16:2,091,820, C>G on the plus strand (G>C on the coding strand, the complement: PKD1 is on the minus strand). VCF-style: chr16-2091820-C-G. GRCh37 (hg19) VCF-style: chr16-2141821-C-G.
Other names: c.11495G>C, p.Arg3832Pro (NM_000296.4); short protein forms R3832P, R3833P.
Identifiers: ClinVar variation 4531538 (VCV004531538.2).